The following is an entry in ClinVar:

ClinVar aggregate classification (germline): Uncertain significance (1 of 4 stars; one submission).

Conditions:
Ullrich congenital muscular dystrophy 2 (UCMD2). Identifiers: Orphanet 75840, MedGen C4225314, MONDO:0014654, OMIM 616470.
Bethlem myopathy 2 (BTHLM2). Identifiers: Orphanet 536516, Orphanet 610, MedGen C4225313, MONDO:0034022, OMIM 616471.

Allele frequency attached by ClinVar (database versions not stated): gnomAD exomes below 0.00001.
gnomAD v4.1: 1 of 1,613,176 alleles (0.000062%); highest among the groups gnomAD compares: Non-Finnish European, 0.000085%; no homozygotes.

Submission:

Labcorp Genetics (formerly Invitae), Labcorp
Classification: Uncertain significance for Bethlem myopathy 2; Ullrich congenital muscular dystrophy 2. Last evaluated: 2023-11-10. Review status: criteria provided, single submitter. Criteria: Invitae Variant Classification Sherloc (09022015). Collection method: clinical testing. Allele origin: germline.
Comment: This sequence change replaces proline, which is neutral and non-polar, with serine, which is neutral and polar, at codon 1350 of the COL12A1 protein (p.Pro1350Ser). This variant is present in population databases (no rsID available, gnomAD 0.0009%). This variant has not been reported in the literature in individuals affected with COL12A1-related conditions. Advanced modeling of protein sequence and biophysical properties (such as structural, functional, and spatial information, amino acid conservation, physicochemical variation, residue mobility, and thermodynamic stability) performed at Invitae indicates that this missense variant is expected to disrupt COL12A1 protein function with a positive predictive value of 80%. In summary, the available evidence is currently insufficient to determine the role of this variant in disease. Therefore, it has been classified as a Variant of Uncertain Significance.

NM_004370.6(COL12A1):c.4048C>T (p.Pro1350Ser)

Gene: COL12A1 (collagen type XII alpha 1 chain; minus strand). Cytogenetic location: 6q13.
Variant type: single nucleotide variant.
Coding change: c.4048C>T on transcript NM_004370.6 (MANE Select); coding-DNA position 4048, C replaced by T.
Protein change: p.Pro1350Ser; replaces proline 1350 with serine.
Molecular consequence: missense variant.
Genome position (GRCh38, 1-based): chr6:75,151,240, G>A on the plus strand (C>T on the coding strand, the complement: COL12A1 is on the minus strand). VCF-style: chr6-75151240-G-A. GRCh37 (hg19) VCF-style: chr6-75860956-G-A.
Other names: c.4048C>T, p.Pro1350Ser (NM_001424113.1, NM_001424114.1); c.3775C>T, p.Pro1259Ser (NM_001424115.1); c.556C>T, p.Pro186Ser (NM_001424116.1, NM_080645.3); short protein forms P1259S, P186S, P1350S.
Identifiers: ClinVar variation 2937780 (VCV002937780.3), dbSNP rs1247431265, ClinGen allele CA364747222.